The following is an entry in ClinVar:

ClinVar aggregate classification (germline): Uncertain significance. Review status: criteria provided, multiple submitters, no conflicts (2 of 4 stars). 3 submissions from 3 submitters: Uncertain significance (3). Last evaluated 2025-08-24.

Conditions:
Hereditary sensory and autonomic neuropathy type 1 (HSAN1). Also called: HSN Type I; Hereditary Sensory Neuropathy Type I; HSAN 1. Identifiers: Orphanet 36386, MedGen C0020071, MONDO:0018213.
Inborn genetic diseases. Identifiers: MedGen C0950123, MeSH D030342.

Allele frequency attached by ClinVar (database versions not stated): ExAC 0.00001; TOPMed 0.00002; gnomAD exomes 0.00001 and below 0.00001; ESP Exome Variant Server 0.00008.
gnomAD v4.1: 4 of 1,613,878 alleles (0.00025%); highest among the groups gnomAD compares: African/African-American, 0.0013%; no homozygotes.

Submissions (3):

Ambry Genetics
Classification: Uncertain significance for Inborn genetic diseases. Last evaluated: 2025-08-24. Review status: criteria provided, single submitter. Criteria: Ambry Variant Classification Scheme 2023. Collection method: clinical testing. Allele origin: germline.

Labcorp Genetics (formerly Invitae), Labcorp
Classification: Uncertain significance for Hereditary sensory and autonomic neuropathy type 1. Last evaluated: 2024-09-19. Review status: criteria provided, single submitter. Criteria: Invitae Variant Classification Sherloc (09022015). Collection method: clinical testing. Allele origin: germline.
Comment: This sequence change replaces methionine, which is neutral and non-polar, with valine, which is neutral and non-polar, at codon 356 of the SPTLC1 protein (p.Met356Val). This variant is present in population databases (rs369506636, gnomAD 0.003%). This variant has not been reported in the literature in individuals affected with SPTLC1-related conditions. ClinVar contains an entry for this variant (Variation ID: 966018). Invitae Evidence Modeling of protein sequence and biophysical properties (such as structural, functional, and spatial information, amino acid conservation, physicochemical variation, residue mobility, and thermodynamic stability) indicates that this missense variant is not expected to disrupt SPTLC1 protein function with a negative predictive value of 80%. In summary, the available evidence is currently insufficient to determine the role of this variant in disease. Therefore, it has been classified as a Variant of Uncertain Significance.

Blueprint Genetics
Classification: Uncertain significance. Last evaluated: 2019-06-12. Review status: criteria provided, single submitter. Criteria: ACMG Guidelines, 2015. Collection method: clinical testing. Allele origin: germline.

NM_006415.4(SPTLC1):c.1066A>G (p.Met356Val)

Gene: SPTLC1 (serine palmitoyltransferase long chain base subunit 1; minus strand). Cytogenetic location: 9q22.31.
Variant type: single nucleotide variant.
Coding change: c.1066A>G on transcript NM_006415.4 (MANE Select); coding-DNA position 1066, A replaced by G.
Protein change: p.Met356Val; replaces methionine 356 with valine.
Molecular consequence: missense variant.
Genome position (GRCh38, 1-based): chr9:92,047,187, T>C on the plus strand (A>G on the coding strand, the complement: SPTLC1 is on the minus strand). VCF-style: chr9-92047187-T-C. GRCh37 (hg19) VCF-style: chr9-94809469-T-C.
Other names: c.1066A>G (NM_006415.2); c.1066A>G, p.Met356Val (NM_001281303.2); c.700A>G, p.Met234Val (NM_001368272.1); c.601A>G, p.Met201Val (NM_001368273.1); short protein forms M201V, M356V, M234V.
Identifiers: ClinVar variation 966018 (VCV000966018.8), dbSNP rs369506636, ClinGen allele CA5121336.